The following is an entry in ClinVar:

ClinVar aggregate classification (germline): Conflicting classifications of pathogenicity. Review status: criteria provided, conflicting classifications (1 of 4 stars). 3 submissions from 3 submitters: Likely pathogenic (1); Uncertain significance (2). Last evaluated 2025-02-11.

Conditions:
Inborn genetic diseases. Identifiers: MedGen C0950123, MeSH D030342.
CDH2-related disorder. Also called: CDH2-related condition.

Allele frequency attached by ClinVar (database versions not stated): gnomAD exomes below 0.00001; ExAC 0.00002.
gnomAD v4.1: 2 of 1,612,880 alleles (0.00012%); highest among the groups gnomAD compares: Non-Finnish European, 0.00017%; no homozygotes.

Submissions (3):

Ambry Genetics
Classification: Uncertain significance for Inborn genetic diseases. Last evaluated: 2025-02-11. Review status: criteria provided, single submitter. Criteria: Ambry Variant Classification Scheme 2023. Collection method: clinical testing. Allele origin: germline.

Blueprint Genetics
Classification: Likely pathogenic for CDH2-related disorders. Last evaluated: 2023-12-21. Review status: criteria provided, single submitter. Criteria: ACMG Guidelines, 2015. Collection method: clinical testing. Allele origin: germline. Affected: yes. Observed: 4 variant alleles.

Labcorp Genetics (formerly Invitae), Labcorp
Classification: Uncertain significance. Last evaluated: 2022-03-10. Review status: criteria provided, single submitter. Criteria: Invitae Variant Classification Sherloc (09022015). Collection method: clinical testing. Allele origin: germline.
Comment: In summary, the available evidence is currently insufficient to determine the role of this variant in disease. Therefore, it has been classified as a Variant of Uncertain Significance. Algorithms developed to predict the effect of missense changes on protein structure and function (SIFT, PolyPhen-2, Align-GVGD) all suggest that this variant is likely to be disruptive. This missense change has been observed in individual(s) with arrhythmogenic right ventricular cardiomyopathy (PMID: 33566628). This variant is present in population databases (rs747090043, gnomAD 0.002%). This sequence change replaces proline, which is neutral and non-polar, with alanine, which is neutral and non-polar, at codon 679 of the CDH2 protein (p.Pro679Ala).

Literature cited by the submitters: PubMed 33566628 (cited by Ambry Genetics and Labcorp Genetics (formerly Invitae), Labcorp).

NM_001792.5(CDH2):c.2035C>G (p.Pro679Ala)

Gene: CDH2 (cadherin 2; minus strand). Cytogenetic location: 18q12.1.
Variant type: single nucleotide variant.
Coding change: c.2035C>G on transcript NM_001792.5 (MANE Select); coding-DNA position 2035, C replaced by G.
Protein change: p.Pro679Ala; replaces proline 679 with alanine.
Molecular consequence: missense variant.
Genome position (GRCh38, 1-based): chr18:27,985,174, G>C on the plus strand (C>G on the coding strand, the complement: CDH2 is on the minus strand). VCF-style: chr18-27985174-G-C. GRCh37 (hg19) VCF-style: chr18-25565138-G-C.
Other names: c.1942C>G, p.Pro648Ala (NM_001308176.2); c.2035C>G (NM_001792.3); short protein forms P679A, P648A.
Identifiers: ClinVar variation 1931383 (VCV001931383.7), dbSNP rs747090043, ClinGen allele CA8923251.
Genomic context (GRCh38, chr18:27,985,174, plus strand): 5'-TCACACGCAGGATGGAAATATTTGATTTGGGAGGATTACCCGAATCTGTGATTATGATGG[G>C]AACTTCATAGATACCAGCTTCAAGAAATTTTATCTTTAAATTAAGCTGAGCAAAATCACC-3'
Protein context (NP_001783.2, residues 669-689): KFLEAGIYEV[Pro679Ala]IIITDSGNPP